The following is an entry in ClinVar:

ClinVar aggregate classification (germline): Conflicting classifications of pathogenicity. Review status: criteria provided, conflicting classifications (1 of 4 stars). 3 submissions from 3 submitters: Uncertain significance (1); Likely benign (2). Last evaluated 2026-05-11.

Conditions:
Neurofibromatosis, familial spinal (FSNF). Identifiers: Orphanet 636, MedGen C1834235, MONDO:0008078, OMIM 162210. Disease mechanism: loss of function.
Juvenile myelomonocytic leukemia (JMML). Also called: LEUKEMIA, JUVENILE MYELOMONOCYTIC, SOMATIC. Identifiers: Orphanet 86834, MedGen C0349639, MONDO:0011908, OMIM 607785, HP:0012209.
Café-au-lait macules with pulmonary stenosis (WTSN). Also called: PULMONIC STENOSIS WITH CAFE-AU-LAIT SPOTS. Identifiers: MedGen C0553586, MONDO:0008672, OMIM 193520.
Neurofibromatosis, type 1 (NF1). Also called: VON RECKLINGHAUSEN DISEASE; NEUROFIBROMATOSIS, TYPE I, SOMATIC; Neurofibromatosis, type I; Peripheral type neurofibromatosis. Identifiers: Orphanet 636, MedGen C0027831, MONDO:0018975, OMIM 162200. Disease mechanism: loss of function.
Neurofibromatosis-Noonan syndrome (NFNS). Also called: NEUROFIBROMATOSIS WITH NOONAN PHENOTYPE. Identifiers: Orphanet 638, MedGen C2931482, MONDO:0011035, OMIM 601321. Disease mechanism: loss of function.

Allele frequency attached by ClinVar (database versions not stated): gnomAD exomes 0.00001 and below 0.00001; ExAC 0.00001.
gnomAD v4.1: 8 of 1,613,862 alleles (0.0005%); highest among the groups gnomAD compares: Non-Finnish European, 0.00068%; no homozygotes.

Submissions (3):

Myriad Genetics, Inc.
Classification: Likely benign for Neurofibromatosis, type 1. Last evaluated: 2026-05-11. Review status: criteria provided, single submitter. Criteria: Myriad Autosomal Dominant, Autosomal Recessive and X-Linked Classification Criteria (2023). Collection method: clinical testing. Allele origin: unknown.
Comment: This variant is considered likely benign. This variant is intronic and is not expected to impact mRNA splicing.

Labcorp Genetics (formerly Invitae), Labcorp
Classification: Likely benign for Neurofibromatosis, type 1. Last evaluated: 2026-01-31. Review status: criteria provided, single submitter. Criteria: Invitae Variant Classification Sherloc (09022015). Collection method: clinical testing. Allele origin: germline.

Fulgent Genetics
Classification: Uncertain significance for Neurofibromatosis, type 1; Neurofibromatosis, familial spinal; Café-au-lait macules with pulmonary stenosis; Neurofibromatosis-Noonan syndrome; Juvenile myelomonocytic leukemia. Last evaluated: 2022-05-17. Review status: criteria provided, single submitter. Criteria: ACMG Guidelines, 2015. Collection method: clinical testing. Allele origin: unknown.

NM_001042492.3(NF1):c.289-6T>C

Gene: NF1 (neurofibromin 1; plus strand). Cytogenetic location: 17q11.2.
Variant type: single nucleotide variant.
Coding change: c.289-6T>C on transcript NM_001042492.3 (MANE Select); 6 bases into the intron before coding-DNA position 289, T replaced by C.
Molecular consequence: intron variant.
Genome position (GRCh38, 1-based): chr17:31,163,180, T>C. VCF-style: chr17-31163180-T-C. GRCh37 (hg19) VCF-style: chr17-29490198-T-C.
Other names: c.289-6T>C (NM_000267.4, NM_001128147.3).
Identifiers: ClinVar variation 404572 (VCV000404572.9), dbSNP rs757074803, ClinGen allele CA8485527.